The following is an entry in ClinVar:

NM_152703.5(SAMD9L):c.459G>C (p.Lys153Asn)

Gene: SAMD9L (sterile alpha motif domain containing 9 like; minus strand). Cytogenetic location: 7q21.2.
Variant type: single nucleotide variant.
Coding change: c.459G>C on transcript NM_152703.5 (MANE Select); coding-DNA position 459, G replaced by C.
Protein change: p.Lys153Asn; replaces lysine 153 with asparagine.
Molecular consequence: missense variant.
Genome position (GRCh38, 1-based): chr7:93,135,513, C>G on the plus strand (G>C on the coding strand, the complement: SAMD9L is on the minus strand). VCF-style: chr7-93135513-C-G. GRCh37 (hg19) VCF-style: chr7-92764826-C-G.
Other names: p.Lys153Asn; c.459G>C, p.Lys153Asn (NM_001303496.3, NM_001303497.3, NM_001303498.3 and 5 more transcripts); c.459G>C (NM_152703.2); short protein forms K153N.
Identifiers: ClinVar variation 4541309 (VCV004541309.3).

ClinVar aggregate classification (germline): Uncertain significance. Review status: criteria provided, multiple submitters, no conflicts (2 of 4 stars). 3 submissions from 3 submitters: Uncertain significance (3). Last evaluated 2026-03-15.

Conditions:
Inborn genetic diseases. Identifiers: MedGen C0950123, MeSH D030342.

Submissions (3):

Ambry Genetics
Classification: Uncertain significance for Inborn genetic diseases. Last evaluated: 2026-03-15. Review status: criteria provided, single submitter. Criteria: Ambry Variant Classification Scheme 2023. Collection method: clinical testing. Allele origin: germline.
Comment: The p.K153N variant (also known as c.459G>C), located in coding exon 1 of the SAMD9L gene, results from a G to C substitution at nucleotide position 459. The lysine at codon 153 is replaced by asparagine, an amino acid with similar properties. This amino acid position is conserved. In addition, this alteration is predicted to be tolerated by in silico analysis. Based on the available evidence, the clinical significance of this variant remains unclear.

Labcorp Genetics (formerly Invitae), Labcorp
Classification: Uncertain significance. Last evaluated: 2025-12-16. Review status: criteria provided, single submitter. Criteria: Invitae Variant Classification Sherloc (09022015). Collection method: clinical testing. Allele origin: germline.
Comment: This sequence change replaces lysine, which is basic and polar, with asparagine, which is neutral and polar, at codon 153 of the SAMD9L protein (p.Lys153Asn). This variant is not present in population databases (gnomAD no frequency). This variant has not been reported in the literature in individuals affected with SAMD9L-related conditions. An algorithm developed to predict the effect of missense changes on protein structure and function outputs the following: PolyPhen-2: "Benign". The asparagine amino acid residue is found in multiple mammalian species, which suggests that this missense change does not adversely affect protein function. In summary, the available evidence is currently insufficient to determine the role of this variant in disease. Therefore, it has been classified as a Variant of Uncertain Significance.

Mayo Clinic Laboratories, Mayo Clinic
Classification: Uncertain significance. Last evaluated: 2025-09-11. Review status: criteria provided, single submitter. Criteria: ACMG Guidelines, 2015. Collection method: clinical testing. Allele origin: germline. Observed: 1 variant allele.
Comment: BP4_strong, PM2_supporting